The following is an entry in ClinVar:

NM_002997.5(SDC1):c.576T>C (p.Ala192=)

Gene: SDC1 (syndecan 1; minus strand). Cytogenetic location: 2p24.1.
Variant type: single nucleotide variant.
Coding change: c.576T>C on transcript NM_002997.5 (MANE Select); coding-DNA position 576, T replaced by C.
Protein change: p.Ala192=; no amino-acid change (alanine 192 retained).
Molecular consequence: synonymous variant.
Genome position (GRCh38, 1-based): chr2:20,203,864, A>G on the plus strand (T>C on the coding strand, the complement: SDC1 is on the minus strand). VCF-style: chr2-20203864-A-G. GRCh37 (hg19) VCF-style: chr2-20403625-A-G.
Other names: c.576T>C, p.Ala192= (NM_001006946.2).
Identifiers: ClinVar variation 626010 (VCV000626010.2), dbSNP rs1250072685, ClinGen allele CA425117534.

ClinVar aggregate classification (germline): Uncertain significance (1 of 4 stars; one submission).

Allele frequency attached by ClinVar (database versions not stated): gnomAD exomes below 0.00001.
gnomAD v4.1: 3 of 1,610,046 alleles (0.00019%); highest among the groups gnomAD compares: East Asian, 0.0022%; no homozygotes.

Submission:

Center for Genomics, Ann and Robert H. Lurie Children's Hospital of Chicago
Classification: Uncertain significance. Last evaluated: 2021-03-30. Review status: criteria provided, single submitter. Criteria: ACMG Guidelines, 2015. Collection method: clinical testing. Allele origin: germline.
Comment: SDC1 NM_001006946.1 exon 4 p.Ala192Ala (c.576T>C): This variant has not been reported in the literature but is present in 1/5332 alleles in the Genome Aggregation Database. Evolutionary conservation and computational predictive tools for this variant are limited or unavailable. Of note, this variant is a silent variant and does not change the amino acid, reducing the probability that this variant is disease causing. In summary, data on this variant is insufficient for disease classification. Therefore, the clinical significance of this variant is uncertain.